The following is an entry in ClinVar:

ClinVar aggregate classification (germline): Uncertain significance. Review status: criteria provided, single submitter (1 of 4 stars). 2 submissions from 2 submitters: Uncertain significance (1). 1 of the submissions does not count toward it. Last evaluated 2025-05-18.

Conditions:
NR0B2-related disorder. Also called: NR0B2-related condition.

Allele frequency attached by ClinVar (database versions not stated): gnomAD exomes 0.00005; 1000 Genomes Project 30x 0.00047; 1000 Genomes Project 0.00060; ExAC 0.00015.
gnomAD v4.1: 78 of 1,527,374 alleles (0.0051%); highest among the groups gnomAD compares: South Asian, 0.083%; 1 homozygote.

Submissions (2):

Ambry Genetics
Classification: Uncertain significance. Last evaluated: 2025-05-18. Review status: criteria provided, single submitter. Criteria: Ambry Variant Classification Scheme 2023. Collection method: clinical testing. Allele origin: germline.

PreventionGenetics, part of Exact Sciences
Classification: Uncertain significance for NR0B2-related condition. Last evaluated: 2024-04-29. Review status: no assertion criteria provided. Collection method: clinical testing. Allele origin: germline. Not counted in ClinVar's aggregate classification.
Comment: The NR0B2 c.139G>A variant is predicted to result in the amino acid substitution p.Val47Ile. To our knowledge, this variant has not been reported in the literature. This variant is reported in 0.080% of alleles in individuals of South Asian descent in gnomAD, which may be too common to be an undocumented cause of disease. Although we suspect that this variant may be benign, at this time, the clinical significance of this variant is uncertain due to the absence of conclusive functional and genetic evidence.

NM_021969.3(NR0B2):c.139G>A (p.Val47Ile)

Genes: NR0B2 (nuclear receptor subfamily 0 group B member 2; minus strand), NUDC (nuclear distribution C, dynein complex regulator; plus strand). Cytogenetic location: 1p36.11.
Variant type: single nucleotide variant.
Coding change: c.139G>A on transcript NM_021969.3 (MANE Select); coding-DNA position 139, G replaced by A.
Protein change: p.Val47Ile; replaces valine 47 with isoleucine.
Molecular consequence: missense variant.
Genome position (GRCh38, 1-based): chr1:26,913,802, C>T on the plus strand (G>A on the coding strand, the complement: NR0B2 is on the minus strand). VCF-style: chr1-26913802-C-T. GRCh37 (hg19) VCF-style: chr1-27240293-C-T.
Other names: short protein forms V47I.
Identifiers: ClinVar variation 3028954 (VCV003028954.3), dbSNP rs200354158, ClinGen allele CA709717.